The following is an entry in ClinVar:

NM_025099.6(CTC1):c.191G>A (p.Ser64Asn)

Gene: CTC1 (CST telomere replication complex component 1; minus strand). Cytogenetic location: 17p13.1.
Variant type: single nucleotide variant.
Coding change: c.191G>A on transcript NM_025099.6 (MANE Select); coding-DNA position 191, G replaced by A.
Protein change: p.Ser64Asn; replaces serine 64 with asparagine.
Molecular consequence: missense variant. On other transcripts: non-coding transcript variant (1).
Genome position (GRCh38, 1-based): chr17:8,242,991, C>T on the plus strand (G>A on the coding strand, the complement: CTC1 is on the minus strand). VCF-style: chr17-8242991-C-T. GRCh37 (hg19) VCF-style: chr17-8146309-C-T.
Other names: c.191G>A, p.Ser64Asn (NM_001411067.1); short protein forms S64N.
Identifiers: ClinVar variation 1901414 (VCV001901414.3), dbSNP rs997277487, ClinGen allele CA287543351.
Genomic context (GRCh38, chr17:8,242,991, plus strand): 5'-CCTGAATTCAATACCTGCCCCTGCCCAGCCCCCGCAACCGCCACCTCTCCTTACCTATAG[C>T]TGAGGGGCAGTGTAGAACCTTGGTTCCTTCCCTGGGACAACCAGACAGTCTTCACACAAT-3'
Protein context (NP_079375.3, residues 54-74): GRNQGSTLPL[Ser64Asn]YSFVSVQDLK

ClinVar aggregate classification (germline): Uncertain significance (1 of 4 stars; one submission).

Conditions:
Dyskeratosis congenita. Identifiers: Orphanet 1775, MedGen C0265965, MONDO:0015780.

Allele frequency attached by ClinVar (database versions not stated): gnomAD 0.00002; gnomAD exomes 0.00002.
gnomAD v4.1: 40 of 1,611,494 alleles (0.0025%); highest among the groups gnomAD compares: African/African-American, 0.004%; no homozygotes.

Submission:

Labcorp Genetics (formerly Invitae), Labcorp
Classification: Uncertain significance for Dyskeratosis congenita. Last evaluated: 2022-03-11. Review status: criteria provided, single submitter. Criteria: Invitae Variant Classification Sherloc (09022015). Collection method: clinical testing. Allele origin: germline.
Comment: In summary, the available evidence is currently insufficient to determine the role of this variant in disease. Therefore, it has been classified as a Variant of Uncertain Significance. Algorithms developed to predict the effect of missense changes on protein structure and function output the following: SIFT: "Deleterious"; PolyPhen-2: "Benign"; Align-GVGD: "Class C0". The asparagine amino acid residue is found in multiple mammalian species, which suggests that this missense change does not adversely affect protein function. This variant has not been reported in the literature in individuals affected with CTC1-related conditions. This variant is not present in population databases (gnomAD no frequency). This sequence change replaces serine, which is neutral and polar, with asparagine, which is neutral and polar, at codon 64 of the CTC1 protein (p.Ser64Asn).